The following is an entry in ClinVar:

NM_014319.5(LEMD3):c.296_298del (p.Ser99del)

Genes: LEMD3 (LEM domain containing 3; plus strand), LOC130008224 (ATAC-STARR-seq lymphoblastoid silent region 4630; plus strand). Cytogenetic location: 12q14.3.
Variant type: Deletion.
Coding change: c.296_298del on transcript NM_014319.5 (MANE Select); coding-DNA positions 296 to 298, 3 bases deleted (CCT; older notation c.296_298delCCT).
Protein change: p.Ser99del; deletes serine 99.
Genome position (GRCh38, 1-based): chr12:65,169,892-65,169,894, CCT deleted; deleting any 3 consecutive bases within chr12:65,169,890-65,169,894 gives the same sequence; the c. name uses the placement nearest the transcript's 3' end. VCF-style (leftmost placement, unchanged base first): chr12-65169889-TCTC-T. GRCh37 (hg19) VCF-style: chr12-65563669-TCTC-T.
Other names: c.296_298del, p.Ser99del (NM_001167614.2); short protein forms S99del.
Identifiers: ClinVar variation 3686427 (VCV003686427.2).

ClinVar aggregate classification (germline): Uncertain significance (1 of 4 stars; one submission).

Submission:

Labcorp Genetics (formerly Invitae), Labcorp
Classification: Uncertain significance. Last evaluated: 2024-12-16. Review status: criteria provided, single submitter. Criteria: Invitae Variant Classification Sherloc (09022015). Collection method: clinical testing. Allele origin: germline.
Comment: This variant, c.296_298del, results in the deletion of 1 amino acid(s) of the LEMD3 protein (p.Ser99del), but otherwise preserves the integrity of the reading frame. This variant is not present in population databases (gnomAD no frequency). This variant has not been reported in the literature in individuals affected with LEMD3-related conditions. Experimental studies and prediction algorithms are not available or were not evaluated, and the functional significance of this variant is currently unknown. In summary, the available evidence is currently insufficient to determine the role of this variant in disease. Therefore, it has been classified as a Variant of Uncertain Significance.